The following is an entry in ClinVar:

NM_001267550.2(TTN):c.70998A>G (p.Thr23666=)

Genes: TTN (titin; minus strand), TTN-AS1 (TTN antisense RNA 1; plus strand). Cytogenetic location: 2q31.2.
Variant type: single nucleotide variant.
Coding change: c.70998A>G on transcript NM_001267550.2 (MANE Select); coding-DNA position 70998, A replaced by G.
Protein change: p.Thr23666=; no amino-acid change (threonine 23666 retained).
Molecular consequence: synonymous variant.
Genome position (GRCh38, 1-based): chr2:178,575,134, T>C on the plus strand (A>G on the coding strand, the complement: TTN is on the minus strand). VCF-style: chr2-178575134-T-C. GRCh37 (hg19) VCF-style: chr2-179439861-T-C.
Other names: c.66075A>G, p.Thr22025= (NM_001256850.1); c.43803A>G, p.Thr14601= (NM_003319.4); c.63294A>G, p.Thr21098= (NM_133378.4); c.44178A>G, p.Thr14726= (NM_133432.3); c.44379A>G, p.Thr14793= (NM_133437.4).
Identifiers: ClinVar variation 263724 (VCV000263724.25), dbSNP rs767989384, ClinGen allele CA1990690.

ClinVar aggregate classification (germline): Benign/Likely benign. Review status: criteria provided, multiple submitters, no conflicts (2 of 4 stars). 11 submissions from 8 submitters: Benign (7); Likely benign (4). Last evaluated 2026-04-04.

Conditions:
Autosomal recessive limb-girdle muscular dystrophy type 2J (LGMDR10). Also called: MUSCULAR DYSTROPHY, LIMB-GIRDLE, AUTOSOMAL RECESSIVE 10; Limb-girdle muscular dystrophy, type 2J. Identifiers: Orphanet 140922, MedGen C1837342, MONDO:0012127, OMIM 608807.
Dilated cardiomyopathy 1G (CMD1G). Identifiers: Orphanet 154, MedGen C1858763, MONDO:0011400, OMIM 604145.
Cardiovascular phenotype. Identifiers: MedGen CN230736.
TTN-related disorder. Also called: TTN-related condition; TTN-related disease; TTN-related disorders.
Early-onset myopathy with fatal cardiomyopathy (CMYO5). Also called: CONGENITAL MYOPATHY 5 WITH CARDIOMYOPATHY; Salih Myopathy. Identifiers: Orphanet 289377, MedGen C2673677, MONDO:0012714, OMIM 611705. Disease mechanism: loss of function.
Myopathy, myofibrillar, 9, with early respiratory failure (MFM9). Also called: Myopathy, distal, with early respiratory failure, autosomal dominant; EDSTROM MYOPATHY; MYOPATHY, PROXIMAL, WITH EARLY RESPIRATORY MUSCLE INVOLVEMENT; Hereditary myopathy with early respiratory failure. Identifiers: Orphanet 178464, Orphanet 34521, MedGen C1863599, MONDO:0011362, OMIM 603689.
Tibial muscular dystrophy (TMD). Also called: Tibial muscular dystrophy, tardive; UDD MYOPATHY; Udd Distal Myopathy – Tibial Muscular Dystrophy. Identifiers: Orphanet 609, MedGen C1838244, MONDO:0010870, OMIM 600334.

Allele frequency attached by ClinVar (database versions not stated): gnomAD 0.00003 and 0.00004; gnomAD exomes 0.00008 and 0.00027; TOPMed 0.00012; ExAC 0.00018.
gnomAD v4.1: 116 of 1,612,818 alleles (0.0072%); highest among the groups gnomAD compares: Admixed American, 0.11%; 1 homozygote.

Submissions (11):

PreventionGenetics, part of Exact Sciences
Classification: Likely benign for TTN-related condition. Last evaluated: 2026-04-04. Review status: criteria provided, single submitter. Criteria: ACMG Guidelines, 2015. Collection method: clinical testing. Allele origin: germline.
Comment: This variant is classified as likely benign based on ACMG/AMP sequence variant interpretation guidelines (Richards et al. 2015 PMID: 25741868, with internal and published modifications).

Labcorp Genetics (formerly Invitae), Labcorp
Classification: Benign for Dilated cardiomyopathy 1G; Autosomal recessive limb-girdle muscular dystrophy type 2J. Last evaluated: 2026-01-07. Review status: criteria provided, single submitter. Criteria: Invitae Variant Classification Sherloc (09022015). Collection method: clinical testing. Allele origin: germline.

Blueprint Genetics
Classification: Likely benign. Last evaluated: 2023-11-13. Review status: criteria provided, single submitter. Criteria: ACMG Guidelines, 2015. Collection method: clinical testing. Allele origin: germline.

ARUP Laboratories, Molecular Genetics and Genomics, ARUP Laboratories
Classification: Benign. Last evaluated: 2023-10-13. Review status: criteria provided, single submitter. Criteria: ARUP Molecular Germline Variant Investigation Process 2024. Collection method: clinical testing. Allele origin: germline.

Genome-Nilou Lab
Classification: Benign for Autosomal recessive limb-girdle muscular dystrophy type 2J. Last evaluated: 2021-09-10. Review status: criteria provided, single submitter. Criteria: ACMG Guidelines, 2015. Collection method: clinical testing. Allele origin: germline. Affected: no.

Genome-Nilou Lab
Classification: Benign for Myopathy, myofibrillar, 9, with early respiratory failure. Last evaluated: 2021-09-10. Review status: criteria provided, single submitter. Criteria: ACMG Guidelines, 2015. Collection method: clinical testing. Allele origin: germline. Affected: no.

Genome-Nilou Lab
Classification: Benign for Early-onset myopathy with fatal cardiomyopathy. Last evaluated: 2021-09-10. Review status: criteria provided, single submitter. Criteria: ACMG Guidelines, 2015. Collection method: clinical testing. Allele origin: germline. Affected: no.

Genome-Nilou Lab
Classification: Benign for Tibial muscular dystrophy. Last evaluated: 2021-09-10. Review status: criteria provided, single submitter. Criteria: ACMG Guidelines, 2015. Collection method: clinical testing. Allele origin: germline. Affected: no.

Eurofins Ntd Llc (ga)
Classification: Likely benign. Last evaluated: 2016-09-17. Review status: criteria provided, single submitter. Criteria: EGL Classification Definitions 2015. Collection method: clinical testing. Allele origin: germline. Observed: 3 variant alleles, 3 heterozygotes.

GeneDx
Classification: Benign. Last evaluated: 2016-03-11. Review status: criteria provided, single submitter. Criteria: GeneDx Variant Classification (06012015). Collection method: clinical testing. Allele origin: germline. Affected: yes.
Comment: This variant is considered likely benign or benign based on one or more of the following criteria: it is a conservative change, it occurs at a poorly conserved position in the protein, it is predicted to be benign by multiple in silico algorithms, and/or has population frequency not consistent with disease.

Ambry Genetics
Classification: Likely benign for Cardiovascular phenotype. Last evaluated: 2013-10-28. Review status: criteria provided, single submitter. Criteria: Ambry Autosomal Dominant and X-Linked criteria (10/2015). Collection method: clinical testing. Allele origin: germline. Observed: 1 variant allele.